The following is an entry in ClinVar:

NM_152542.5(PPM1K):c.208C>T (p.Arg70Cys)

Gene: PPM1K (protein phosphatase, Mg2+/Mn2+ dependent 1K; minus strand). Cytogenetic location: 4q22.1.
Variant type: single nucleotide variant.
Coding change: c.208C>T on transcript NM_152542.5 (MANE Select); coding-DNA position 208, C replaced by T.
Protein change: p.Arg70Cys; replaces arginine 70 with cysteine.
Molecular consequence: missense variant.
Genome position (GRCh38, 1-based): chr4:88,278,376, G>A on the plus strand (C>T on the coding strand, the complement: PPM1K is on the minus strand). VCF-style: chr4-88278376-G-A. GRCh37 (hg19) VCF-style: chr4-89199528-G-A.
Other names: short protein forms R70C.
Identifiers: ClinVar variation 1001639 (VCV001001639.8), dbSNP rs372205324, ClinGen allele CA3005345.

ClinVar aggregate classification (germline): Uncertain significance (1 of 4 stars; one submission).

Conditions:
Maple syrup urine disease, mild variant (MSUDMV). Identifiers: Orphanet 511, MedGen C3554575, MONDO:0014057, OMIM 615135.

Allele frequency attached by ClinVar (database versions not stated): gnomAD 0.00006 and 0.00007; ESP Exome Variant Server 0.00008; TOPMed 0.00012; ExAC 0.00020.
gnomAD v4.1: 131 of 1,614,016 alleles (0.0081%); highest among the groups gnomAD compares: East Asian, 0.098%; no homozygotes.

Submission:

Labcorp Genetics (formerly Invitae), Labcorp
Classification: Uncertain significance for Maple syrup urine disease, mild variant. Last evaluated: 2025-08-13. Review status: criteria provided, single submitter. Criteria: Invitae Variant Classification Sherloc (09022015). Collection method: clinical testing. Allele origin: germline.
Comment: This sequence change replaces arginine, which is basic and polar, with cysteine, which is neutral and slightly polar, at codon 70 of the PPM1K protein (p.Arg70Cys). This variant is present in population databases (rs372205324, gnomAD 0.2%), and has an allele count higher than expected for a pathogenic variant. This variant has not been reported in the literature in individuals affected with PPM1K-related conditions. ClinVar contains an entry for this variant (Variation ID: 1001639). An algorithm developed to predict the effect of missense changes on protein structure and function (PolyPhen-2) suggests that this variant is likely to be disruptive. In summary, the available evidence is currently insufficient to determine the role of this variant in disease. Therefore, it has been classified as a Variant of Uncertain Significance.